The following is an entry in ClinVar:

ClinVar aggregate classification (germline): Likely benign (1 of 4 stars; one submission).

gnomAD v4.1: 130 of 1,614,108 alleles (0.0081%); highest among the groups gnomAD compares: South Asian, 0.13%; 3 homozygotes.

Submission:

CeGaT Center for Human Genetics Tuebingen
Classification: Likely benign. Last evaluated: 2025-12-01. Review status: criteria provided, single submitter. Criteria: CeGaT Center For Human Genetics Tuebingen Variant Classification Criteria Version 2. Collection method: clinical testing. Allele origin: germline. Affected: yes. Observed: 1 variant allele.
Comment: EIF5A: BP4, BS1

NM_001970.5(EIF5A):c.156C>T (p.Gly52=)

Gene: EIF5A (eukaryotic translation initiation factor 5A; plus strand). Cytogenetic location: 17p13.1.
Variant type: single nucleotide variant.
Coding change: c.156C>T on transcript NM_001970.5 (MANE Select); coding-DNA position 156, C replaced by T.
Protein change: p.Gly52=; no amino-acid change (glycine 52 retained).
Molecular consequence: synonymous variant.
Genome position (GRCh38, 1-based): chr17:7,309,791, C>T. VCF-style: chr17-7309791-C-T. GRCh37 (hg19) VCF-style: chr17-7213110-C-T.
Other names: c.246C>T, p.Gly82= (NM_001143760.1); c.156C>T, p.Gly52= (NM_001143761.1, NM_001143762.2, NM_001370420.1 and 1 more transcripts).
Identifiers: ClinVar variation 4681648 (VCV004681648.5).